The following is an entry in ClinVar:

ClinVar aggregate classification (germline): Uncertain significance. Review status: criteria provided, multiple submitters, no conflicts (2 of 4 stars). 3 submissions from 3 submitters: Uncertain significance (3). Last evaluated 2024-12-16.

Conditions:
Hereditary cancer-predisposing syndrome. Also called: Tumor predisposition; Hereditary neoplastic syndrome; Neoplastic Syndromes, Hereditary; Hereditary Cancer Syndrome. Identifiers: Orphanet 140162, MedGen C0027672, MeSH D009386, MONDO:0015356.
Multiple endocrine neoplasia, type 2 (MEN2). Identifiers: Orphanet 653, MedGen C4048306, MONDO:0019003. Disease mechanism: gain of function.

Allele frequency attached by ClinVar (database versions not stated): gnomAD exomes below 0.00001.
gnomAD v4.1: 4 of 1,614,154 alleles (0.00025%); highest among the groups gnomAD compares: Non-Finnish European, 0.00034%; no homozygotes.

Submissions (3):

Ambry Genetics
Classification: Uncertain significance for Hereditary cancer-predisposing syndrome. Last evaluated: 2024-12-16. Review status: criteria provided, single submitter. Criteria: Ambry Variant Classification Scheme 2023. Collection method: clinical testing. Allele origin: germline.
Comment: The p.G453A variant (also known as c.1358G>C), located in coding exon 7 of the RET gene, results from a G to C substitution at nucleotide position 1358. The glycine at codon 453 is replaced by alanine, an amino acid with similar properties. This amino acid position is conserved. In addition, this alteration is predicted to be tolerated by in silico analysis. Since supporting evidence is limited at this time, the clinical significance of this alteration remains unclear.

Labcorp Genetics (formerly Invitae), Labcorp
Classification: Uncertain significance for Multiple endocrine neoplasia, type 2. Last evaluated: 2024-09-25. Review status: criteria provided, single submitter. Criteria: Invitae Variant Classification Sherloc (09022015). Collection method: clinical testing. Allele origin: germline.
Comment: This sequence change replaces glycine, which is neutral and non-polar, with alanine, which is neutral and non-polar, at codon 453 of the RET protein (p.Gly453Ala). This variant is not present in population databases (gnomAD no frequency). This variant has not been reported in the literature in individuals affected with RET-related conditions. ClinVar contains an entry for this variant (Variation ID: 1010476). An algorithm developed to predict the effect of missense changes on protein structure and function (PolyPhen-2) suggests that this variant is likely to be tolerated. In summary, the available evidence is currently insufficient to determine the role of this variant in disease. Therefore, it has been classified as a Variant of Uncertain Significance.

All of Us Research Program, National Institutes of Health
Classification: Uncertain significance for Multiple endocrine neoplasia, type 2. Last evaluated: 2024-07-10. Review status: criteria provided, single submitter. Criteria: ACMG Guidelines, 2015. Collection method: clinical testing. Allele origin: germline. Inheritance: Autosomal dominant inheritance. Observed: 1 variant allele, 1 heterozygote.
Comment: This missense variant replaces glycine with alanine at codon 453 of the RET protein. Computational prediction suggests that this variant may not impact protein structure and function (internally defined REVEL score threshold <= 0.5, PMID: 27666373). To our knowledge, functional studies have not been reported for this variant. This variant has not been reported in individuals affected with RET-related disorders in the literature. This variant has not been identified in the general population by the Genome Aggregation Database (gnomAD). The available evidence is insufficient to determine the role of this variant in disease conclusively. Therefore, this variant is classified as a Variant of Uncertain Significance.

This study involves interpretation of variants in research participants for the purpose of population health screening. Participant phenotype was not available at the time of variant classification. Additional details can be found in publication PMID: 35346344, PMCID: PMC8962531

NM_020975.6(RET):c.1358G>C (p.Gly453Ala)

Gene: RET (ret proto-oncogene; plus strand). Cytogenetic location: 10q11.21.
Variant type: single nucleotide variant.
Coding change: c.1358G>C on transcript NM_020975.6 (MANE Select); coding-DNA position 1358, G replaced by C.
Protein change: p.Gly453Ala; replaces glycine 453 with alanine.
Molecular consequence: missense variant.
Genome position (GRCh38, 1-based): chr10:43,111,301, G>C. VCF-style: chr10-43111301-G-C. GRCh37 (hg19) VCF-style: chr10-43606749-G-C.
Other names: c.1358G>C, p.Gly453Ala (NM_000323.2, NM_001406743.1, NM_001406744.1 and 6 more transcripts); c.596G>C, p.Gly199Ala (NM_001355216.2); c.1229G>C, p.Gly410Ala (NM_001406761.1, NM_001406762.1, NM_001406764.1 and 1 more transcripts); c.1070G>C, p.Gly357Ala (NM_001406766.1, NM_001406767.1, NM_001406770.1); c.962G>C, p.Gly321Ala (NM_001406769.1, NM_001406772.1); c.920G>C, p.Gly307Ala (NM_001406771.1, NM_001406773.1); c.833G>C, p.Gly278Ala (NM_001406774.1); c.632G>C, p.Gly211Ala (NM_001406775.1, NM_001406776.1, NM_001406777.1 and 1 more transcripts); and 1 more; short protein forms G199A, G453A, G321A, G357A, G211A, G278A, G123A, G307A.
Identifiers: ClinVar variation 1010476 (VCV001010476.14), dbSNP rs1837917640, ClinGen allele CA376549198.